The following is an entry in ClinVar:

ClinVar aggregate classification (germline): Uncertain significance. Review status: criteria provided, multiple submitters, no conflicts (2 of 4 stars). 13 submissions from 13 submitters: Uncertain significance (12). 1 of the submissions does not count toward it. Last evaluated 2025-11-30.

Conditions:
MUTYH-related disorder. Also called: MUTYH-related condition; MUTYH-related disorders.
Familial adenomatous polyposis 2. Also called: MUTYH Polyposis; ADENOMAS, MULTIPLE COLORECTAL, AUTOSOMAL RECESSIVE; MYH-associated polyposis; FAP type 2; Adenomas, multiple colorectal; MUTYH-related attenuated familial adenomatous polyposis. Identifiers: Orphanet 220460, Orphanet 247798, MedGen C3272841, MONDO:0012041, OMIM 608456.
Gastric cancer. Also called: Malignant tumor of stomach; Stomach cancer. Identifiers: MedGen C0024623, MeSH D013274, MONDO:0001056, OMIM 613659, HP:0012126.
Hereditary cancer-predisposing syndrome. Also called: Neoplastic Syndromes, Hereditary; Tumor predisposition; Hereditary neoplastic syndrome; Hereditary Cancer Syndrome. Identifiers: Orphanet 140162, MedGen C0027672, MeSH D009386, MONDO:0015356.

Allele frequency attached by ClinVar (database versions not stated): ExAC 0.00002; TOPMed 0.00002.

Submissions 1 to 8 of 13:

PreventionGenetics, part of Exact Sciences
Classification: Uncertain significance for MUTYH-related condition. Last evaluated: 2025-11-30. Review status: criteria provided, single submitter. Criteria: ACMG Guidelines, 2015. Collection method: clinical testing. Allele origin: germline.
Comment: The MUTYH c.571C>T variant is predicted to result in the amino acid substitution p.Arg191Trp. This variant has been reported in the literature in an individual with colon cancer without polyps (Riegert-Johnson et al. 2007. PubMed ID: 18294051). This variant was also identified in an individual with either a personal or family history of cancer, type unspecified (Shao et al. 2019. PubMed ID: 31742824). This variant is reported in 0.0062% of alleles in individuals of African descent in gnomAD and has been interpreted as variant of uncertain significance in the ClinVar database (Variation ID: 186056). At this time, the clinical significance of this variant is uncertain due to the absence of conclusive functional and genetic evidence.

Labcorp Genetics (formerly Invitae), Labcorp
Classification: Uncertain significance for Familial adenomatous polyposis 2. Last evaluated: 2025-09-15. Review status: criteria provided, single submitter. Criteria: Invitae Variant Classification Sherloc (09022015). Collection method: clinical testing. Allele origin: germline.
Comment: This sequence change replaces arginine, which is basic and polar, with tryptophan, which is neutral and slightly polar, at codon 191 of the MUTYH protein (p.Arg191Trp). This variant is present in population databases (rs761101420, gnomAD 0.007%). This missense change has been observed in individual(s) with colorectal cancer and/or personal or family history of hereditary breast and ovarian cancer (PMID: 18294051, 31742824). This variant is also known as p.Arg177Trp. ClinVar contains an entry for this variant (Variation ID: 186056). An algorithm developed to predict the effect of missense changes on protein structure and function (PolyPhen-2) suggests that this variant is likely to be disruptive. In summary, the available evidence is currently insufficient to determine the role of this variant in disease. Therefore, it has been classified as a Variant of Uncertain Significance.

GeneDx
Classification: Uncertain significance. Last evaluated: 2025-05-28. Review status: criteria provided, single submitter. Criteria: GeneDx Variant Classification Process June 2021. Collection method: clinical testing. Allele origin: germline. Affected: yes.
Comment: Not observed at significant frequency in large population cohorts (gnomAD); In silico analysis supports that this missense variant has a deleterious effect on protein structure/function; Also known as c.529C>T (p.R177W); This variant is associated with the following publications: (PMID: 18294051, 33471991, 28491533, 31742824)

Ambry Genetics
Classification: Uncertain significance for Hereditary cancer-predisposing syndrome. Last evaluated: 2025-01-08. Review status: criteria provided, single submitter. Criteria: Ambry Variant Classification Scheme 2023. Collection method: clinical testing. Allele origin: germline.
Comment: The p.R191W variant (also known as c.571C>T), located in coding exon 7 of the MUTYH gene, results from a C to T substitution at nucleotide position 571. The arginine at codon 191 is replaced by tryptophan, an amino acid with dissimilar properties. This alteration was also identified in a cohort of 882 Chinese individuals who underwent multi-gene panel testing for HBOC risk assessment (Shao D et al. Cancer Sci., 2020 Feb;111:647-657). This amino acid position is not well conserved in available vertebrate species. In addition, the in silico prediction for this alteration is inconclusive. Since supporting evidence is limited at this time, the clinical significance of this alteration remains unclear.

Molecular Pathology, Peter Maccallum Cancer Centre
Classification: Uncertain significance for Familial adenomatous polyposis 2. Last evaluated: 2024-06-05. Review status: criteria provided, single submitter. Criteria: ACMG Guidelines, 2015. Collection method: clinical testing. Allele origin: germline. Inheritance: Autosomal recessive inheritance.

All of Us Research Program, National Institutes of Health
Classification: Uncertain significance for Familial adenomatous polyposis 2. Last evaluated: 2024-02-05. Review status: criteria provided, single submitter. Criteria: ACMG Guidelines, 2015. Collection method: clinical testing. Allele origin: germline. Inheritance: Autosomal recessive inheritance. Observed: 3 variant alleles, 3 heterozygotes.
Comment: This missense variant replaces arginine with tryptophan at codon 191 of the MUTYH protein. This variant is also known as NM_001048171.1:c.529C>T (p.Arg177Trp) in the literature. Computational prediction is inconclusive regarding the impact of this variant on protein structure and function (internally defined REVEL score threshold 0.5 < inconclusive < 0.7, PMID: 27666373). To our knowledge, functional studies have not been reported for this variant. This variant has been reported in individuals affected with colorectal cancer (PMID: 18294051) or breast cancer (PMID: 31742824, 33471991). In a large international case-control meta-analysis, this variant was reported in 2/60466 breast cancer cases and absent in 53461 controls (PMID: 33471991). This variant has been identified in 3/251480 chromosomes in the general population by the Genome Aggregation Database (gnomAD). The available evidence is insufficient to determine the role of this variant in disease conclusively. Therefore, this variant is classified as a Variant of Uncertain Significance.

This study involves interpretation of variants in research participants for the purpose of population health screening. Participant phenotype was not available at the time of variant classification. Additional details can be found in publication PMID: 35346344, PMCID: PMC8962531

Women's Health and Genetics/Laboratory Corporation of America, LabCorp
Classification: Uncertain significance. Last evaluated: 2023-11-27. Review status: criteria provided, single submitter. Criteria: LabCorp Variant Classification Summary - May 2015. Collection method: clinical testing. Allele origin: germline.
Comment: Variant summary: MUTYH c.571C>T (p.Arg191Trp) results in a non-conservative amino acid change located in the HhH-GPD domain (IPR003265) of the encoded protein sequence. Four of five in-silico tools predict a damaging effect of the variant on protein function. The variant allele was found at a frequency of 1.2e-05 in 251480 control chromosomes. The available data on variant occurrences in the general population are insufficient to allow any conclusion about variant significance. c.571C>T has been reported in the literature in heterozygous individuals affected with colorectal cancer without associated polyps, cardiac dysfunction, and increased risk of hereditary breast and ovarian cancer (e.g. Riegert-Johnson_2007, Lam_2015, Shao_2020). These reports do not provide unequivocal conclusions about association of the variant with MUTYH-Associated Polyposis. To our knowledge, no experimental evidence demonstrating an impact on protein function has been reported. The following publications have been ascertained in the context of this evaluation (PMID: 28491533, 18294051, 31742824). Seven submitters have cited clinical-significance assessments for this variant to ClinVar after 2014. All submitters classified the variant as uncertain significance. Based on the evidence outlined above, the variant was classified as uncertain significance.

Baylor Genetics
Classification: Uncertain significance for Familial adenomatous polyposis 2. Last evaluated: 2023-09-13. Review status: criteria provided, single submitter. Criteria: ACMG Guidelines, 2015. Collection method: clinical testing. Allele origin: unknown.

NM_001048174.2(MUTYH):c.487C>T (p.Arg163Trp)

Gene: MUTYH (mutY DNA glycosylase; minus strand). Cytogenetic location: 1p34.1.
Variant type: single nucleotide variant.
Coding change: c.487C>T on transcript NM_001048174.2 (MANE Select); coding-DNA position 487, C replaced by T.
Protein change: p.Arg163Trp; replaces arginine 163 with tryptophan.
Molecular consequence: missense variant. On other transcripts: non-coding transcript variant (2).
Genome position (GRCh38, 1-based): chr1:45,332,768, G>A on the plus strand (C>T on the coding strand, the complement: MUTYH is on the minus strand). VCF-style: chr1-45332768-G-A. GRCh37 (hg19) VCF-style: chr1-45798440-G-A.
Other names: c.487C>T, p.Arg163Trp (NM_001048171.2, NM_001048173.2, NM_001293195.2); c.490C>T, p.Arg164Trp (NM_001048172.2); c.571C>T, p.Arg191Trp (NM_001128425.2); c.532C>T, p.Arg178Trp (NM_001293190.2); c.520C>T, p.Arg174Trp (NM_001293191.2); c.211C>T, p.Arg71Trp (NM_001293192.2, NM_001293196.2); c.142C>T, p.Arg48Trp (NM_001350650.2, NM_001350651.2); c.562C>T, p.Arg188Trp (NM_012222.3); short protein forms R191W, R177W, R164W, R71W, R174W, R163W, R178W, R188W.
Identifiers: ClinVar variation 186056 (VCV000186056.39), dbSNP rs761101420, ClinGen allele CA013889.